The following is an entry in ClinVar:

ClinVar aggregate classification (germline): Uncertain significance. Review status: criteria provided, multiple submitters, no conflicts (2 of 4 stars). 2 submissions from 2 submitters: Uncertain significance (2). Last evaluated 2024-11-25.

Allele frequency attached by ClinVar (database versions not stated): gnomAD 0.00001; gnomAD exomes 0.00002 and 0.00004; ExAC 0.00005; 1000 Genomes Project 30x 0.00016; 1000 Genomes Project 0.00020.
gnomAD v4.1: 22 of 1,609,748 alleles (0.0014%); highest among the groups gnomAD compares: South Asian, 0.021%; no homozygotes.

Submissions (2):

GeneDx
Classification: Uncertain significance. Last evaluated: 2024-11-25. Review status: criteria provided, single submitter. Criteria: GeneDx Variant Classification Process June 2021. Collection method: clinical testing. Allele origin: germline. Affected: yes.
Comment: In silico analysis indicates that this missense variant does not alter protein structure/function; Has not been previously published as pathogenic or benign to our knowledge

Labcorp Genetics (formerly Invitae), Labcorp
Classification: Uncertain significance. Last evaluated: 2022-08-15. Review status: criteria provided, single submitter. Criteria: Invitae Variant Classification Sherloc (09022015). Collection method: clinical testing. Allele origin: germline.
Comment: In summary, the available evidence is currently insufficient to determine the role of this variant in disease. Therefore, it has been classified as a Variant of Uncertain Significance. Algorithms developed to predict the effect of missense changes on protein structure and function (SIFT, PolyPhen-2, Align-GVGD) all suggest that this variant is likely to be tolerated. ClinVar contains an entry for this variant (Variation ID: 1474679). This variant has not been reported in the literature in individuals affected with MARVELD2-related conditions. This variant is present in population databases (rs538762858, gnomAD 0.03%). This sequence change replaces glutamine, which is neutral and polar, with arginine, which is basic and polar, at codon 381 of the MARVELD2 protein (p.Gln381Arg).

NM_001038603.3(MARVELD2):c.1142A>G (p.Gln381Arg)

Gene: MARVELD2 (MARVEL domain containing 2; plus strand). Cytogenetic location: 5q13.2.
Variant type: single nucleotide variant.
Coding change: c.1142A>G on transcript NM_001038603.3 (MANE Select); coding-DNA position 1142, A replaced by G.
Protein change: p.Gln381Arg; replaces glutamine 381 with arginine.
Molecular consequence: missense variant.
Genome position (GRCh38, 1-based): chr5:69,420,527, A>G. VCF-style: chr5-69420527-A-G. GRCh37 (hg19) VCF-style: chr5-68716354-A-G.
Other names: c.1142A>G (NM_001038603.2); c.1142A>G, p.Gln381Arg (NM_001244734.2); short protein forms Q381R.
Identifiers: ClinVar variation 1474679 (VCV001474679.7), dbSNP rs538762858, ClinGen allele CA3294176.
Genomic context (GRCh38, chr5:69,420,527, plus strand): 5'-TTTGCCTAAAGTTATGGAGGCATGAGGCAGCTCGGAGACATAGAGAATATATGGAACAAC[A>G]GGAGGTAAGTGATTTCATAATCCCTCATTTGTGTGTGTATGTTTGTTTTTTCTGTTATTT-3'
Protein context (NP_001033692.2, residues 371-391): ARRHREYMEQ[Gln381Arg]EINEPSLSSK